The following is an entry in ClinVar:

NM_001385079.1(PDE10A):c.3098G>A (p.Arg1033Gln)

Gene: PDE10A (phosphodiesterase 10A; minus strand). Cytogenetic location: 6q27.
Variant type: single nucleotide variant.
Coding change: c.3098G>A on transcript NM_001385079.1 (MANE Select); coding-DNA position 3098, G replaced by A.
Protein change: p.Arg1033Gln; replaces arginine 1033 with glutamine.
Molecular consequence: missense variant.
Genome position (GRCh38, 1-based): chr6:165,333,095, C>T on the plus strand (G>A on the coding strand, the complement: PDE10A is on the minus strand). VCF-style: chr6-165333095-C-T. GRCh37 (hg19) VCF-style: chr6-165746584-C-T.
Other names: c.2300G>A, p.Arg767Gln (NM_001130690.3); c.2270G>A, p.Arg757Gln (NM_006661.4); short protein forms R1033Q, R757Q, R767Q.
Identifiers: ClinVar variation 1375999 (VCV001375999.8), dbSNP rs145722515, ClinGen allele CA4091910.
Genomic context (GRCh38, chr6:165,333,095, plus strand): 5'-GATGCAGCTGCCTTCTGAGCCACGGATGGGGATGAAATCCAGGTTGCAGTCTCCTCCCCT[C>T]GAATCACCTTCTCCCACTGACTGAGATTATCCCTAGGGATAAAAGATGCAGTTTCAGGAG-3'
Protein context (NP_001372008.1, residues 1023-1043): DNLSQWEKVI[Arg1033Gln]GEETATWISS

ClinVar aggregate classification (germline): Uncertain significance (1 of 4 stars; one submission).

Allele frequency attached by ClinVar (database versions not stated): ExAC 0.00003; gnomAD exomes 0.00003; ESP Exome Variant Server 0.00015; gnomAD 0.00025 and 0.00029; TOPMed 0.00029.
gnomAD v4.1: 76 of 1,611,178 alleles (0.0047%); highest among the groups gnomAD compares: African/African-American, 0.087%; no homozygotes.

Submission:

Labcorp Genetics (formerly Invitae), Labcorp
Classification: Uncertain significance. Last evaluated: 2022-06-13. Review status: criteria provided, single submitter. Criteria: Invitae Variant Classification Sherloc (09022015). Collection method: clinical testing. Allele origin: germline.
Comment: In summary, the available evidence is currently insufficient to determine the role of this variant in disease. Therefore, it has been classified as a Variant of Uncertain Significance. Algorithms developed to predict the effect of missense changes on protein structure and function (SIFT, PolyPhen-2, Align-GVGD) all suggest that this variant is likely to be tolerated. This variant has not been reported in the literature in individuals affected with PDE10A-related conditions. This variant is present in population databases (rs145722515, gnomAD 0.05%). This sequence change replaces arginine, which is basic and polar, with glutamine, which is neutral and polar, at codon 767 of the PDE10A protein (p.Arg767Gln).